The following is an entry in ClinVar:

ClinVar aggregate classification (germline): Uncertain significance. Review status: criteria provided, multiple submitters, no conflicts (2 of 4 stars). 2 submissions from 2 submitters: Uncertain significance (2). Last evaluated 2023-10-22.

Conditions:
Myofibrillar myopathy 5. Also called: Filaminopathy (type); FILAMINOPATHY, AUTOSOMAL DOMINANT. Identifiers: Orphanet 171445, MedGen C1836050, MONDO:0012289, OMIM 609524.
Distal myopathy with posterior leg and anterior hand involvement. Also called: WILLIAMS DISTAL MYOPATHY. Identifiers: Orphanet 63273, MedGen C3279722, MONDO:0013550, OMIM 614065.
Hypertrophic cardiomyopathy 26. Also called: Cardiomyopathy, familial hypertrophic, 26. Identifiers: Orphanet 75249, MedGen C4310749, MONDO:0014883, OMIM 617047.

Submissions (2):

Labcorp Genetics (formerly Invitae), Labcorp
Classification: Uncertain significance for Distal myopathy with posterior leg and anterior hand involvement; Myofibrillar myopathy 5; Hypertrophic cardiomyopathy 26. Last evaluated: 2023-10-22. Review status: criteria provided, single submitter. Criteria: Invitae Variant Classification Sherloc (09022015). Collection method: clinical testing. Allele origin: germline.
Comment: This sequence change replaces leucine, which is neutral and non-polar, with arginine, which is basic and polar, at codon 1894 of the FLNC protein (p.Leu1894Arg). This variant is not present in population databases (gnomAD no frequency). This variant has not been reported in the literature in individuals affected with FLNC-related conditions. ClinVar contains an entry for this variant (Variation ID: 1315478). Advanced modeling of protein sequence and biophysical properties (such as structural, functional, and spatial information, amino acid conservation, physicochemical variation, residue mobility, and thermodynamic stability) has been performed at Invitae for this missense variant, however the output from this modeling did not meet the statistical confidence thresholds required to predict the impact of this variant on FLNC protein function. In summary, the available evidence is currently insufficient to determine the role of this variant in disease. Therefore, it has been classified as a Variant of Uncertain Significance.

GeneDx
Classification: Uncertain significance. Last evaluated: 2020-02-14. Review status: criteria provided, single submitter. Criteria: GeneDx Variant Classification Process June 2021. Collection method: clinical testing. Allele origin: germline. Affected: yes.
Comment: Has not been previously published as pathogenic or benign to our knowledge; Not observed in large population cohorts (Lek et al., 2016); In silico analysis supports that this missense variant has a deleterious effect on protein structure/function

NM_001458.5(FLNC):c.5681T>G (p.Leu1894Arg)

Genes: FLNC (filamin C; plus strand), FLNC-AS1 (FLNC antisense RNA 1; minus strand). Cytogenetic location: 7q32.1.
Variant type: single nucleotide variant.
Coding change: c.5681T>G on transcript NM_001458.5 (MANE Select); coding-DNA position 5681, T replaced by G.
Protein change: p.Leu1894Arg; replaces leucine 1894 with arginine.
Molecular consequence: missense variant. On other transcripts: non-coding transcript variant (1).
Genome position (GRCh38, 1-based): chr7:128,851,467, T>G. VCF-style: chr7-128851467-T-G. GRCh37 (hg19) VCF-style: chr7-128491521-T-G.
Other names: c.5582T>G, p.Leu1861Arg (NM_001127487.2); short protein forms L1861R, L1894R.
Identifiers: ClinVar variation 1315478 (VCV001315478.5), dbSNP rs2128938434, ClinGen allele CA369207988.